The following is an entry in ClinVar:

ClinVar aggregate classification (germline): Uncertain significance (1 of 4 stars; one submission).

Conditions:
Catecholaminergic polymorphic ventricular tachycardia 1. Also called: RYR2-Related Catecholaminergic Polymorphic Ventricular Tachycardia; VENTRICULAR TACHYCARDIA, STRESS-INDUCED POLYMORPHIC 1; VENTRICULAR TACHYCARDIA, CATECHOLAMINERGIC POLYMORPHIC, 1, WITH OR WITHOUT ATRIAL DYSFUNCTION AND/OR DILATED CARDIOMYOPATHY. Identifiers: Orphanet 3286, MedGen C1631597, MONDO:0011484, OMIM 604772.

gnomAD v4.1: 1 of 1,613,942 alleles (0.000062%); highest among the groups gnomAD compares: South Asian, 0.0011%; no homozygotes.

Submission:

Labcorp Genetics (formerly Invitae), Labcorp
Classification: Uncertain significance for Catecholaminergic polymorphic ventricular tachycardia 1. Last evaluated: 2025-07-22. Review status: criteria provided, single submitter. Criteria: Invitae Variant Classification Sherloc (09022015). Collection method: clinical testing. Allele origin: germline.
Comment: This sequence change replaces alanine, which is neutral and non-polar, with threonine, which is neutral and polar, at codon 796 of the RYR2 protein (p.Ala796Thr). This variant is not present in population databases (gnomAD no frequency). This variant has not been reported in the literature in individuals affected with RYR2-related conditions. Invitae Evidence Modeling of protein sequence and biophysical properties (such as structural, functional, and spatial information, amino acid conservation, physicochemical variation, residue mobility, and thermodynamic stability) indicates that this missense variant is not expected to disrupt RYR2 protein function with a negative predictive value of 95%. In summary, the available evidence is currently insufficient to determine the role of this variant in disease. Therefore, it has been classified as a Variant of Uncertain Significance.

NM_001035.3(RYR2):c.2386G>A (p.Ala796Thr)

Gene: RYR2 (ryanodine receptor 2; plus strand). Cytogenetic location: 1q43.
Variant type: single nucleotide variant.
Coding change: c.2386G>A on transcript NM_001035.3 (MANE Select); coding-DNA position 2386, G replaced by A.
Protein change: p.Ala796Thr; replaces alanine 796 with threonine.
Molecular consequence: missense variant.
Genome position (GRCh38, 1-based): chr1:237,500,893, G>A. VCF-style: chr1-237500893-G-A. GRCh37 (hg19) VCF-style: chr1-237664193-G-A.
Other names: short protein forms A796T.
Identifiers: ClinVar variation 4755010 (VCV004755010.1).